The following is an entry in ClinVar:

NM_000632.4(ITGAM):c.1213+1G>T

Gene: ITGAM (integrin subunit alpha M; plus strand). Cytogenetic location: 16p11.2.
Variant type: single nucleotide variant.
Coding change: c.1213+1G>T on transcript NM_000632.4 (MANE Select); the canonical splice donor site of the intron after coding-DNA position 1213, G replaced by T.
Molecular consequence: splice donor variant.
Genome position (GRCh38, 1-based): chr16:31,277,050, G>T. VCF-style: chr16-31277050-G-T. GRCh37 (hg19) VCF-style: chr16-31288371-G-T.
Other names: c.1213+1G>T (NM_001145808.2).
Identifiers: ClinVar variation 3660420 (VCV003660420.2).

ClinVar aggregate classification (germline): Uncertain significance (1 of 4 stars; one submission).

Submission:

Labcorp Genetics (formerly Invitae), Labcorp
Classification: Uncertain significance. Last evaluated: 2024-07-24. Review status: criteria provided, single submitter. Criteria: Invitae Variant Classification Sherloc (09022015). Collection method: clinical testing. Allele origin: germline.
Comment: This sequence change affects a donor splice site in intron 11 of the ITGAM gene. It is expected to disrupt RNA splicing. Variants that disrupt the donor or acceptor splice site typically lead to a loss of protein function (PMID: 16199547), however the current clinical and genetic evidence is not sufficient to establish whether loss-of-function variants in ITGAM cause disease. This variant is not present in population databases (gnomAD no frequency). This variant has not been reported in the literature in individuals affected with ITGAM-related conditions. Algorithms developed to predict the effect of sequence changes on RNA splicing suggest that this variant may disrupt the consensus splice site. In summary, the available evidence is currently insufficient to determine the role of this variant in disease. Therefore, it has been classified as a Variant of Uncertain Significance.

Literature cited by the submitters: PubMed 16199547.